The following is an entry in ClinVar:

NM_007118.4(TRIO):c.7633-8C>G

Gene: TRIO (trio Rho guanine nucleotide exchange factor; plus strand). Cytogenetic location: 5p15.2.
Variant type: single nucleotide variant.
Coding change: c.7633-8C>G on transcript NM_007118.4 (MANE Select); 8 bases into the intron before coding-DNA position 7633, C replaced by G.
Molecular consequence: intron variant.
Genome position (GRCh38, 1-based): chr5:14,492,559, C>G. VCF-style: chr5-14492559-C-G. GRCh37 (hg19) VCF-style: chr5-14492668-C-G.
Identifiers: ClinVar variation 2673008 (VCV002673008.24), dbSNP rs367873265, ClinGen allele CA3207589.

ClinVar aggregate classification (germline): Likely benign. Review status: criteria provided, multiple submitters, no conflicts (2 of 4 stars). 2 submissions from 2 submitters: Likely benign (2). Last evaluated 2023-12-01.

Submissions (2):

CeGaT Center for Human Genetics Tuebingen
Classification: Likely benign. Last evaluated: 2023-12-01. Review status: criteria provided, single submitter. Criteria: CeGaT Center For Human Genetics Tuebingen Variant Classification Criteria Version 2. Collection method: clinical testing. Allele origin: germline. Affected: yes. Observed: 1 variant allele.
Comment: TRIO: BP4

Blueprint Genetics
Classification: Likely benign. Last evaluated: 2022-11-30. Review status: criteria provided, single submitter. Criteria: ACMG Guidelines, 2015. Collection method: clinical testing. Allele origin: germline.